The following is an entry in ClinVar:

ClinVar aggregate classification (germline): Uncertain significance (1 of 4 stars; one submission).

Submission:

GeneDx
Classification: Uncertain significance. Last evaluated: 2026-02-02. Review status: criteria provided, single submitter. Criteria: GeneDx Variant Classification Process June 2021. Collection method: clinical testing. Allele origin: germline.
Comment: Not observed at significant frequency in large population cohorts (gnomAD); In silico analysis supports that this missense variant has a deleterious effect on protein structure/function; Has not been previously published as pathogenic or benign to our knowledge

NM_001080517.3(SETD5):c.3209A>G (p.Glu1070Gly)

Gene: SETD5 (SET domain containing 5; plus strand). Cytogenetic location: 3p25.3.
Variant type: single nucleotide variant.
Coding change: c.3209A>G on transcript NM_001080517.3 (MANE Select); coding-DNA position 3209, A replaced by G.
Protein change: p.Glu1070Gly; replaces glutamic acid 1070 with glycine.
Molecular consequence: missense variant.
Genome position (GRCh38, 1-based): chr3:9,473,249, A>G. VCF-style: chr3-9473249-A-G. GRCh37 (hg19) VCF-style: chr3-9514933-A-G.
Other names: c.2915A>G, p.Glu972Gly (NM_001292043.2, NM_001349451.2); c.3305A>G, p.Glu1102Gly (NM_001437633.1); c.3323A>G, p.Glu1108Gly (NM_001437635.1); c.3266A>G, p.Glu1089Gly (NM_001437643.1); c.3248A>G, p.Glu1083Gly (NM_001437701.1); short protein forms E1070G, E1083G, E1089G, E1102G, E1108G, E972G.
Identifiers: ClinVar variation 4975540 (VCV004975540.1).